The following is an entry in ClinVar:

ClinVar aggregate classification (germline): Uncertain significance (1 of 4 stars; one submission).

Allele frequency attached by ClinVar (database versions not stated): TOPMed below 0.00001; ExAC 0.00001; gnomAD 0.00001.
gnomAD v4.1: 72 of 1,614,052 alleles (0.0045%); highest among the groups gnomAD compares: Middle Eastern, 0.016%; no homozygotes.

Submission:

Labcorp Genetics (formerly Invitae), Labcorp
Classification: Uncertain significance. Last evaluated: 2022-09-27. Review status: criteria provided, single submitter. Criteria: Invitae Variant Classification Sherloc (09022015). Collection method: clinical testing. Allele origin: germline.
Comment: In summary, the available evidence is currently insufficient to determine the role of this variant in disease. Therefore, it has been classified as a Variant of Uncertain Significance. Algorithms developed to predict the effect of missense changes on protein structure and function (SIFT, PolyPhen-2, Align-GVGD) all suggest that this variant is likely to be tolerated. This variant has not been reported in the literature in individuals affected with REL-related conditions. This variant is present in population databases (rs779702816, gnomAD 0.003%). This sequence change replaces phenylalanine, which is neutral and non-polar, with valine, which is neutral and non-polar, at codon 555 of the REL protein (p.Phe555Val).

NM_001291746.2(REL):c.1567T>G (p.Phe523Val)

Gene: REL (REL proto-oncogene, NF-kB subunit; plus strand). Cytogenetic location: 2p16.1.
Variant type: single nucleotide variant.
Coding change: c.1567T>G on transcript NM_001291746.2 (MANE Select); coding-DNA position 1567, T replaced by G.
Protein change: p.Phe523Val; replaces phenylalanine 523 with valine.
Molecular consequence: missense variant.
Genome position (GRCh38, 1-based): chr2:60,922,338, T>G. VCF-style: chr2-60922338-T-G. GRCh37 (hg19) VCF-style: chr2-61149473-T-G.
Other names: c.1663T>G, p.Phe555Val (NM_002908.4); short protein forms F523V, F555V.
Identifiers: ClinVar variation 2173392 (VCV002173392.4), dbSNP rs779702816, ClinGen allele CA1672498.
Genomic context (GRCh38, chr2:60,922,338, plus strand): 5'-CAGCTCCATCAGATGTCCTCTTCCAGTATGTCAGCAGGCGCCAATTCCAATACTACTGTT[T>G]TTGTTTCACAATCAGATGCATTTGAGGGATCTGACTTCAGTTGTGCAGATAACAGCATGA-3'
Protein context (NP_001278675.1, residues 513-533): SAGANSNTTV[Phe523Val]VSQSDAFEGS